The following is an entry in ClinVar:

ClinVar aggregate classification (germline): Likely benign. Review status: criteria provided, multiple submitters, no conflicts (2 of 4 stars). 2 submissions from 2 submitters: Likely benign (2). Last evaluated 2024-06-20.

Allele frequency attached by ClinVar (database versions not stated): ExAC 0.00001; TOPMed 0.00001; gnomAD 0.00002.
gnomAD v4.1: 27 of 1,613,490 alleles (0.0017%); highest among the groups gnomAD compares: Middle Eastern, 0.016%; no homozygotes.

Submissions (2):

Blueprint Genetics
Classification: Likely benign. Last evaluated: 2024-06-20. Review status: criteria provided, single submitter. Criteria: ACMG Guidelines, 2015. Collection method: clinical testing. Allele origin: germline.

CeGaT Center for Human Genetics Tuebingen
Classification: Likely benign. Last evaluated: 2023-12-01. Review status: criteria provided, single submitter. Criteria: CeGaT Center For Human Genetics Tuebingen Variant Classification Criteria Version 2. Collection method: clinical testing. Allele origin: germline. Affected: yes. Observed: 1 variant allele.
Comment: SRCAP: BP1, BP4, BS2

NM_006662.3(SRCAP):c.4954A>G (p.Thr1652Ala)

Gene: SRCAP (Snf2 related CREBBP activator protein; plus strand). Cytogenetic location: 16p11.2.
Variant type: single nucleotide variant.
Coding change: c.4954A>G on transcript NM_006662.3 (MANE Select); coding-DNA position 4954, A replaced by G.
Protein change: p.Thr1652Ala; replaces threonine 1652 with alanine.
Molecular consequence: missense variant.
Genome position (GRCh38, 1-based): chr16:30,724,378, A>G. VCF-style: chr16-30724378-A-G. GRCh37 (hg19) VCF-style: chr16-30735699-A-G.
Other names: short protein forms T1652A.
Identifiers: ClinVar variation 3025220 (VCV003025220.23), dbSNP rs763155329, ClinGen allele CA8011865.